The following is an entry in ClinVar:

ClinVar aggregate classification (germline): Uncertain significance (1 of 4 stars; one submission).

Conditions:
KRAS-related disorder. Also called: KRAS-related condition; KRAS-related disorders.

Submission:

PreventionGenetics, part of Exact Sciences
Classification: Uncertain significance for KRAS-related condition. Last evaluated: 2026-01-07. Review status: criteria provided, single submitter. Criteria: ACMG Guidelines, 2015. Collection method: clinical testing. Allele origin: germline.
Comment: The KRAS c.511delA variant is predicted to result in a frameshift and premature protein termination (p.Ile171Serfs*11). This variant is found within an intronic region of the primary transcript (NM_004985:c.451-5589delA). To our knowledge, this variant has not been reported in the literature. This variant is reported in 0.011% of alleles in individuals of African descent in gnomAD. Gain-of-function instead of loss-of-function is the established mechanism for KRAS pathogenic variants. At this time, the clinical significance of this variant is uncertain due to the absence of conclusive functional and genetic evidence.

NM_033360.4(KRAS):c.511del (p.Ile171fs)

Gene: KRAS (KRas proto-oncogene, GTPase; minus strand). Cytogenetic location: 12p12.1.
Variant type: Deletion.
Coding change: c.511del on transcript NM_033360.4 (MANE Plus Clinical); coding-DNA position 511, one base deleted (A; older notation c.511delA).
Protein change: p.Ile171fs; shifts the reading frame from isoleucine 171.
Molecular consequence: frameshift variant. On other transcripts: intron variant (2).
Genome position (GRCh38, 1-based): chr12:25,215,500, T deleted on the plus strand (A on the coding strand, the reverse complement: KRAS is on the minus strand); the first of 7 consecutive T bases (chr12:25,215,500-25,215,506); deleting any one gives the same sequence. VCF-style (leftmost placement, unchanged base first): chr12-25215499-AT-A. GRCh37 (hg19) VCF-style: chr12-25368433-AT-A.
Other names: c.511del, p.Ile171fs (NM_001369786.1); c.451-5589del (NM_001369787.1, NM_004985.5); short protein forms I171fs.
Identifiers: ClinVar variation 4982243 (VCV004982243.1).
Genomic context (GRCh38, chr12:25,215,499, plus strand): 5'-GATTACATTATAATGCATTTTTTAATTTTCACACAGCCAGGAGTCTTTTCTTCTTTGCTG[AT>A]TTTTTTCAATCTGTATTGTCGGATCTCTCTCACCAATGTATAAAAAGCATCCTCCACTCT-3'